The following is an entry in ClinVar:

NM_052947.4(ALPK2):c.5404G>A (p.Gly1802Arg)

Gene: ALPK2 (alpha kinase 2; minus strand). Cytogenetic location: 18q21.31.
Variant type: single nucleotide variant.
Coding change: c.5404G>A on transcript NM_052947.4 (MANE Select); coding-DNA position 5404, G replaced by A.
Protein change: p.Gly1802Arg; replaces glycine 1802 with arginine.
Molecular consequence: missense variant.
Genome position (GRCh38, 1-based): chr18:58,529,188, C>T on the plus strand (G>A on the coding strand, the complement: ALPK2 is on the minus strand). VCF-style: chr18-58529188-C-T. GRCh37 (hg19) VCF-style: chr18-56196420-C-T.
Other names: short protein forms G1802R.
Identifiers: ClinVar variation 3228797 (VCV003228797.1), dbSNP rs2518869602, ClinGen allele CA402554155.
Genomic context (GRCh38, chr18:58,529,188, plus strand): 5'-TCCAGCAGATAGTAGAATCTTCATGAATTTCTGCAAATTGGCAGCTTAATTTTACATTTC[C>T]AGAGTGTTCAGGGAACATCTCAGCTTGGATCTTTTTCAGTAATACTGGAGCTAGAAACAA-3'
Protein context (NP_443179.3, residues 1792-1812): IQAEMFPEHS[Gly1802Arg]NVKLSCQFAE

ClinVar aggregate classification (germline): Uncertain significance (1 of 4 stars; one submission).

Allele frequency attached by ClinVar (database versions not stated): gnomAD exomes below 0.00001.
gnomAD v4.1: 1 of 1,613,990 alleles (0.000062%); highest among the groups gnomAD compares: Non-Finnish European, 0.000085%; no homozygotes.

Submission:

Ambry Genetics
Classification: Uncertain significance. Last evaluated: 2023-09-15. Review status: criteria provided, single submitter. Criteria: Ambry Variant Classification Scheme 2023. Collection method: clinical testing. Allele origin: germline.
Comment: The p.G1802R variant (also known as c.5404G>A), located in coding exon 5 of the ALPK2 gene, results from a G to A substitution at nucleotide position 5404. The glycine at codon 1802 is replaced by arginine, an amino acid with dissimilar properties. This amino acid position is conserved. In addition, this alteration is predicted to be tolerated by in silico analysis. Since supporting evidence is limited at this time, the clinical significance of this alteration remains unclear.